The following continues an entry in ClinVar:

NM_001048174.2(MUTYH):c.650G>A (p.Arg217His)

Gene: MUTYH. ClinVar aggregate classification (germline): Pathogenic/Likely pathogenic. Pathogenic (25); Likely pathogenic (4).

Submissions 9 to 25 of 32:

Color Diagnostics, LLC DBA Color Health
Classification: Pathogenic for Hereditary cancer-predisposing syndrome. Last evaluated: 2024-04-24. Review status: criteria provided, single submitter. Criteria: ACMG Guidelines, 2015. Collection method: clinical testing. Allele origin: germline.
Comment: This missense variant replaces arginine with histidine at codon 245 of the MUTYH protein. This variant is also known by an alternative transcript, NM_001048171, as c.692G>A (p.Arg231His). Computational prediction suggests that this variant may have deleterious impact on protein structure and function. Functional studies found this variant to be defective in glycosylase assays (PMID: 18534194, 23108399) and caused abnormal increase in DNA 8-oxo-7,8-dihydro-2'-deoxyguanosine (8-oxodG) and mutation frequency (PMID: 23108399, 24569162). This variant has been reported in multiple individuals who are heterozygous and homozygous carriers and affected with polyposis and colorectal cancer (PMID: 16134147,19394335, 19732775, 23108399, 25590978, 29406563, 29967336, 34704405). This variant has been identified in 24/281670 chromosomes in the general population by the Genome Aggregation Database (gnomAD). A different variant affecting the same codon, c.733C>T (p.Arg245Cys), is considered to be disease-causing (ClinVar Variation ID: 41761). Based on the available evidence, this variant is classified as Pathogenic.

Baylor Genetics
Classification: Pathogenic for Familial adenomatous polyposis 2. Last evaluated: 2024-03-25. Review status: criteria provided, single submitter. Criteria: ACMG Guidelines, 2015. Collection method: clinical testing. Allele origin: unknown.

Genetic Services Laboratory, University of Chicago
Classification: Pathogenic. Last evaluated: 2024-03-20. Review status: criteria provided, single submitter. Criteria: ACMG Guidelines, 2015. Collection method: clinical testing. Allele origin: germline. Affected: yes.
Comment: DNA sequence analysis of the MUTYH gene demonstrated a sequence change, c.734G>A, in exon 9 that results in an amino acid change, p.Arg245His. The p.Arg245His change affects a highly conserved amino acid residue located in a domain of the MUTYH protein that is known to be functional. The p.Arg245His substitution appears to be deleterious using several in-silico pathogenicity prediction tools (SIFT, PolyPhen2, REVEL). This pathogenic sequence change has previously been described in the bi-allelic state in several individuals with MUTYH-related adenomatous polyposis (PMID: 16134147, 19732775, 23108399). Functional studies indicate that this sequence change has a damaging effect on MUTYH function (PMID: 23108399, 18534194, 24569162, 25820570). This sequence change has been described in the gnomAD database with a frequency of 0.0085% in the overall subpopulation (dbSNP rs140342925). Collectively, this evidence indicates that this sequence change is pathogenic.

Institute for Biomarker Research, Medical Diagnostic Laboratories, L.L.C.
Classification: Pathogenic for Hereditary cancer-predisposing syndrome. Last evaluated: 2024-03-12. Review status: criteria provided, single submitter. Criteria: ACMG Guidelines, 2015. Collection method: clinical testing. Allele origin: germline.

Clinical Genetics Laboratory, Skane University Hospital Lund
Classification: Pathogenic. Last evaluated: 2022-05-27. Review status: criteria provided, single submitter. Criteria: ACMG Guidelines, 2015. Collection method: clinical testing. Allele origin: germline. Affected: yes.

CeGaT Center for Human Genetics Tuebingen
Classification: Pathogenic. Last evaluated: 2022-05-01. Review status: criteria provided, single submitter. Criteria: CeGaT Center For Human Genetics Tuebingen Variant Classification Criteria Version 2. Collection method: clinical testing. Allele origin: germline. Affected: yes. Observed: 1 variant allele.
Comment: MUTYH: PS3:Very Strong, PS4, PP3

GeneDx
Classification: Pathogenic. Last evaluated: 2022-01-06. Review status: criteria provided, single submitter. Criteria: GeneDx Variant Classification Process June 2021. Collection method: clinical testing. Allele origin: germline. Affected: yes.
Comment: In silico analysis supports that this missense variant has a deleterious effect on protein structure/function; Also known as Arg231His; This variant is associated with the following publications: (PMID: 16134147, 16287072, 23108399, 24569162, 19732775, 24444654, 25980754, 26694661, 16557584, 28087410, 18534194, 25820570, 17949294, 16455870, 17081686, 26446593, 28551381, 27783336, 27870730, 27829682, 28152038, 26556299, 31159747, 30604180, 30564557, 29625052, 31263571, 29406563, 34426522, 31589614, 32338768, 30787465, 11801590)

Quest Diagnostics Nichols Institute San Juan Capistrano
Classification: Pathogenic. Last evaluated: 2021-11-19. Review status: criteria provided, single submitter. Criteria: Quest Diagnostics criteria. Collection method: clinical testing. Allele origin: unknown.
Comment: The variant has been reported as homozygous or compound heterozygous in multiple individuals with MAP in the published literature (PMID: 23108399 (2013), 19732775 (2009), 16557584 (2006), 16134147 (2005)). Experimental studies indicate the variant is damaging to MUTYH protein function (PMID: 24569162 (2014), 23108399 (2013), 18534194 (2008)). Based on the available information, this variant is classified as pathogenic.

Institute for Clinical Genetics, University Hospital TU Dresden, University Hospital TU Dresden
Classification: Likely pathogenic. Last evaluated: 2021-11-03. Review status: criteria provided, single submitter. Criteria: ACMG Guidelines, 2015. Collection method: clinical testing. Allele origin: germline.

Sema4
Classification: Pathogenic for Hereditary cancer-predisposing syndrome. Last evaluated: 2021-05-19. Review status: criteria provided, single submitter. Criteria: Sema4 Curation Guidelines. Collection method: curation. Allele origin: germline.
Comment: The MUTYH c.734G>A (p.R245H) variant, also known as c.692G>A (p.R231H) in the literature, has been reported as homozygous and compound heterozygous in numerous individuals with colorectal polyposis and colorectal cancer (PMID: 16134147, 19732775, 33130102, 24444654, 29406563, 26446593, 23108399, 24569162, among others). Functional studies have shown that this variant decreases MUTYH expression and causes severely defective glycosylase and DNA binding activity (PMID: 18534194, 23108399, 24569162, 25820570). This variant is a well-established pathogenic variant associated with MUTYH-Associated Polyposis (PMID: 19732775, 33130102, 29406563). This variant was observed in 24/281670 chromosomes, with no homozygotes, across all populations in the Genome Aggregation Database (PMID: 32461654). This variant has been reported in ClinVar (Variation ID: 140877). Based on the current evidence available, this variant is interpreted as pathogenic.

Revvity Omics, Revvity
Classification: Pathogenic for Familial adenomatous polyposis 2. Last evaluated: 2021-04-19. Review status: criteria provided, single submitter. Criteria: ACMG Guidelines, 2015. Collection method: clinical testing. Allele origin: germline.

Laboratory of Medical Genetics Unit, Bambino Gesù Children's Hospital
Classification: Pathogenic for Diffuse midline glioma, H3 K27-altered. Last evaluated: 2021-02-26. Review status: criteria provided, single submitter. Criteria: ACMG Guidelines, 2015. Collection method: research. Allele origin: germline. Affected: yes. Observed: 1 heterozygote.

Department of Molecular Diagnostics, Institute of Oncology Ljubljana
Classification: Pathogenic for Familial adenomatous polyposis 2. Last evaluated: 2020-04-02. Review status: criteria provided, single submitter. Criteria: ACMG Guidelines, 2015. Collection method: clinical testing. Allele origin: germline. Affected: yes.

GeneKor MSA
Classification: Likely pathogenic for Hereditary cancer-predisposing syndrome. Last evaluated: 2020-01-01. Review status: criteria provided, single submitter. Criteria: ACMG Guidelines, 2015. Collection method: clinical testing. Allele origin: germline. Affected: yes.
Comment: This variant is a missense mutation replacing Arginine with Histidine in the position 245 of the MUTYH protein. This particular Arginine is highly conserved and located in a functional domain of the protein (FeS cluster domain). However there is no significant physicochemical difference between Arginine and Histidine (Grantham Score 29). The aforementioned variant has been described in literature both in homozygosity and heterozygosity in patients with MUTYH-associated polyposis (PMID: 17949294 , PMID: 16287072, PMID: 16134147). Furthermore published functional studies have shown that the variant affects MUTYH protein functionality (PMID: 18534194, PMID: 23108399).This mutation is present at low frequency in population databases (rs140342925, 0.01%). The mutation database ClinVar contains an entry for this variant (Variation ID: 140877).

Laboratory for Molecular Medicine, Mass General Brigham Personalized Medicine
Classification: Pathogenic for Familial adenomatous polyposis 2. Last evaluated: 2019-12-11. Review status: criteria provided, single submitter. Criteria: ACMG Guidelines, 2015. Collection method: clinical testing. Allele origin: germline. Inheritance: Autosomal recessive inheritance.
Comment: The p.Arg245His variant in MUTYH has been reported in 1 homozygous individual, 2 heterozygous individuals, and 10 compound heterozygous individuals with MUTYH-related tumors (Aceto 2005, Olschwang 2007, Russell 2006, Vogt 2009, Win 2014, Yurgelun 2015). It segregated with disease in 3 affected relatives from 2 families (Vogt 2009). It has also been identified in 0.03% (5/19802) of East Asian chromosomes by gnomAD. This frequency is low enough to be consistent with the carrier frequency of MUTYH-related attenuated familial adenomatous polyposis (FAP) in the general population. This variant has been reported in ClinVar (Variation ID: 140877). Functional studies provide some evidence that the p.Arg245His variant has impaired function in vitro (Ali 2008, Ruggieri 2013, Grasso 2014, Komine 2015). In summary, this variant meets criteria to be classified as pathogenic for MUTYH-related attenuated FAP in an autosomal recessive manner. ACMG/AMP Criteria applied: PM3_VeryStrong, PP1_Strong, PS3_Moderate.

Centre for Mendelian Genomics, University Medical Centre Ljubljana
Classification: Pathogenic for Familial adenomatous polyposis 2. Last evaluated: 2019-05-27. Review status: criteria provided, single submitter. Criteria: ACMG Guidelines, 2015. Collection method: clinical testing. Allele origin: unknown. Affected: yes.
Comment: This variant was classified as: Pathogenic. The following ACMG criteria were applied in classifying this variant: PS1,PM1,PM2,PM5,PP3.

Institute of Human Genetics, University of Leipzig Medical Center
Classification: Likely pathogenic for Breast carcinoma. Last evaluated: 2019-01-01. Review status: criteria provided, single submitter. Criteria: ACMG Guidelines, 2015. Collection method: clinical testing. Allele origin: unknown. Affected: no.